The following is an entry in ClinVar:

NM_022552.5(DNMT3A):c.2063G>A (p.Arg688His)

Gene: DNMT3A (DNA methyltransferase 3 alpha; minus strand). Cytogenetic location: 2p23.3.
Variant type: single nucleotide variant.
Coding change: c.2063G>A on transcript NM_022552.5 (MANE Select); coding-DNA position 2063, G replaced by A.
Protein change: p.Arg688His; replaces arginine 688 with histidine.
Molecular consequence: missense variant. On other transcripts: non-coding transcript variant (1).
Genome position (GRCh38, 1-based): chr2:25,241,581, C>T on the plus strand (G>A on the coding strand, the complement: DNMT3A is on the minus strand). VCF-style: chr2-25241581-C-T. GRCh37 (hg19) VCF-style: chr2-25464450-C-T.
Other names: c.2063G>A, p.Arg688His (NM_175629.2); c.1607G>A, p.Arg536His (NM_001320893.1); c.1394G>A, p.Arg465His (NM_001375819.1); c.1496G>A, p.Arg499His (NM_153759.3); short protein forms R499H, R536H, R688H, R465H.
Identifiers: ClinVar variation 650730 (VCV000650730.22), dbSNP rs369713081, ClinGen allele CA1555781.

ClinVar aggregate classification (germline): Pathogenic/Likely pathogenic. Review status: criteria provided, multiple submitters, no conflicts (2 of 4 stars). 5 submissions from 5 submitters: Pathogenic (3); Likely pathogenic (2). Last evaluated 2026-02-02.

Conditions:
Tatton-Brown-Rahman overgrowth syndrome. Also called: Tall stature-intellectual disability-facial dysmorphism syndrome; Tatton-Brown-Rahman syndrome. Identifiers: Orphanet 404443, MedGen C4014545, MONDO:0014382, OMIM 615879.
Autosomal dominant DNMT3A-related disorders.
Inborn genetic diseases. Identifiers: MedGen C0950123, MeSH D030342.
Heyn-Sproul-Jackson syndrome. Also called: MICROCEPHALY, SHORT STATURE, AND IMPAIRED INTELLECTUAL DEVELOPMENT. Identifiers: Orphanet 658595, MedGen C5231475, MONDO:0032882, OMIM 618724.
Acute myeloid leukemia (AML). Also called: Leukemia, acute myeloid, somatic; Leukemia, acute myelogenous, somatic; Acute myeloid leukemia, adult; AML adult; Acute non-lymphocytic leukemia; Acute granulocytic leukemia. Identifiers: Orphanet 519, MedGen C0023467, MeSH D015470, MONDO:0018874, OMIM 601626, HP:0004808. Disease mechanism: Constitutively activated FLT3.

Allele frequency attached by ClinVar (database versions not stated): gnomAD 0.00001; gnomAD exomes 0.00002; ExAC 0.00003; ESP Exome Variant Server 0.00008.
gnomAD v4.1: 24 of 1,613,670 alleles (0.0015%); highest among the groups gnomAD compares: East Asian, 0.0067%; no homozygotes.

Submissions (5):

Ambry Genetics
Classification: Pathogenic for Inborn genetic diseases. Last evaluated: 2026-02-02. Review status: criteria provided, single submitter. Criteria: Ambry Variant Classification Scheme 2023. Collection method: clinical testing. Allele origin: germline.
Comment: The c.2063G>A (p.R688H) alteration is located in exon 17 (coding exon 16) of the DNMT3A gene. This alteration results from a G to A substitution at nucleotide position 2063, causing the arginine (R) at amino acid position 688 to be replaced by a histidine (H). for Tatton-Brown-Rahman syndrome; however, it is unlikely to be causative of Heyn-Sproul-Jackson syndrome. The Genome Aggregation Database (gnomAD) data for this variant is unreliable due to technical and/or biological issues; therefore, population frequency estimates were not considered. This variant was reported in individual(s) with features consistent with Tatton-Brown-Rahman syndrome (Tovy, 2022; AlSabah, 2024; external communication); in at least one individual, it was determined to be de novo. This amino acid position is highly conserved in available vertebrate species. This alteration is predicted to be deleterious by in silico analysis. Based on the available evidence, this alteration is classified as pathogenic.

Variantyx, Inc.
Classification: Likely pathogenic for Autosomal dominant DNMT3A-related disorders. Last evaluated: 2026-01-21. Review status: criteria provided, single submitter. Criteria: Variantyx Assertion Criteria 2022. Collection method: clinical testing. Allele origin: de novo. Inheritance: Autosomal dominant inheritance. Affected: yes.
Comment: This is a nonsynonymous variant in the DNMT3A gene (OMIM: 602769). Pathogenic variants in this gene have been associated with autosomal dominant DNMT3A-related disorders. This variant has been reported in at least two unrelated affected individuals (PMID:34092059,34315901) (PS4_Moderate). Multiple computational algorithms predict a deleterious effect for this variant (REVEL score: 0.836) (PP3). This variant has a 0.0067% maximum allele frequency in non-founder control populations. Based on the current evidence, this variant is classified as likely pathogenic for autosomal dominant DNMT3A-related disorders.

Labcorp Genetics (formerly Invitae), Labcorp
Classification: Pathogenic for Tatton-Brown-Rahman overgrowth syndrome. Last evaluated: 2025-09-02. Review status: criteria provided, single submitter. Criteria: Invitae Variant Classification Sherloc (09022015). Collection method: clinical testing. Allele origin: germline.
Comment: This sequence change replaces arginine, which is basic and polar, with histidine, which is basic and polar, at codon 688 of the DNMT3A protein (p.Arg688His). The frequency data for this variant in the population databases is considered unreliable, as metrics indicate poor data quality at this position in the gnomAD database. This missense change has been observed in individual(s) with clinical features of Tatton-Brown-Rahman syndrome (PMID: 34092059, 34315901, 38041495). In at least one individual the variant was observed to be de novo. ClinVar contains an entry for this variant (Variation ID: 650730). Invitae Evidence Modeling of protein sequence and biophysical properties (such as structural, functional, and spatial information, amino acid conservation, physicochemical variation, residue mobility, and thermodynamic stability) indicates that this missense variant is expected to disrupt DNMT3A protein function with a positive predictive value of 95%. For these reasons, this variant has been classified as Pathogenic.

GeneDx
Classification: Pathogenic. Last evaluated: 2025-05-18. Review status: criteria provided, single submitter. Criteria: GeneDx Variant Classification Process June 2021. Collection method: clinical testing. Allele origin: germline. Affected: yes.
Comment: Reported previously in a patient from a cohort of individuals with a diagnosis of Tatton-Brown-Rahman syndrome (PMID: 34092059); In silico analysis supports that this missense variant has a deleterious effect on protein structure/function; This variant is associated with the following publications: (PMID: 33057194, 35982159, 39033325, 38041495, 34092059)

Juno Genomics, Hangzhou Juno Genomics, Inc
Classification: Likely pathogenic for Acute myeloid leukemia; Heyn-Sproul-Jackson syndrome; Tatton-Brown-Rahman overgrowth syndrome. Review status: criteria provided, single submitter. Criteria: ACMG Guidelines, 2015. Collection method: clinical testing. Allele origin: germline.
Comment: Absent from controls (or at extremely low frequency if recessive) in Genome Aggregation Database.;Multiple lines of computational evidence support a deleterious effect on the gene or gene product.;The prevalence of the variant in affected individuals is significantly increased compared to the prevalence in controls.;De novo (both maternity and paternity confirmed) in a patient with the disease and no family history.;Patient's phenotype or family history is highly specific for a disease with a single genetic etiology.

Literature cited by the submitters: PubMed 34092059 (cited by Ambry Genetics and Labcorp Genetics (formerly Invitae), Labcorp); PubMed 38041495 (cited by 3 submitters); PubMed 3409205 (cited by Variantyx, Inc.); PubMed 34315901 (cited by Variantyx, Inc. and Labcorp Genetics (formerly Invitae), Labcorp).